The following is an entry in ClinVar:

ClinVar aggregate classification (germline): Likely benign. Review status: criteria provided, multiple submitters, no conflicts (2 of 4 stars). 2 submissions from 2 submitters: Likely benign (2). Last evaluated 2023-06-14.

Conditions:
Early-infantile DEE. Also called: Early infantile epileptic encephalopathy with suppression bursts; Ohtahara syndrome; Early infantile epileptic encephalopathy. Identifiers: Orphanet 1934, MedGen C0393706, MONDO:0800491.

Allele frequency attached by ClinVar (database versions not stated): gnomAD exomes 0.00001; TOPMed 0.00001; ExAC 0.00001; gnomAD 0.00003.
gnomAD v4.1: 24 of 1,613,858 alleles (0.0015%); highest among the groups gnomAD compares: Non-Finnish European, 0.002%; no homozygotes.

Submissions (2):

Labcorp Genetics (formerly Invitae), Labcorp
Classification: Likely benign for Early-infantile DEE. Last evaluated: 2023-06-14. Review status: criteria provided, single submitter. Criteria: Invitae Variant Classification Sherloc (09022015). Collection method: clinical testing. Allele origin: germline.

GeneDx
Classification: Likely benign. Last evaluated: 2018-02-15. Review status: criteria provided, single submitter. Criteria: GeneDx Variant Classification (06012015). Collection method: clinical testing. Allele origin: germline. Affected: yes.
Comment: This variant is considered likely benign or benign based on one or more of the following criteria: it is a conservative change, it occurs at a poorly conserved position in the protein, it is predicted to be benign by multiple in silico algorithms, and/or has population frequency not consistent with disease.

NM_001130438.3(SPTAN1):c.1962T>C (p.Asn654=)

Gene: SPTAN1 (spectrin alpha, non-erythrocytic 1; plus strand). Cytogenetic location: 9q34.11.
Variant type: single nucleotide variant.
Coding change: c.1962T>C on transcript NM_001130438.3 (MANE Select); coding-DNA position 1962, T replaced by C.
Protein change: p.Asn654=; no amino-acid change (asparagine 654 retained).
Molecular consequence: synonymous variant.
Genome position (GRCh38, 1-based): chr9:128,583,232, T>C. VCF-style: chr9-128583232-T-C. GRCh37 (hg19) VCF-style: chr9-131345511-T-C.
Other names: c.1962T>C, p.Asn654= (NM_001363765.2, NM_003127.4, NM_001195532.2 and 1 more transcripts).
Identifiers: ClinVar variation 515484 (VCV000515484.7), dbSNP rs748193081, ClinGen allele CA5264545.